The following is an entry in ClinVar:

NM_021008.4(DEAF1):c.700T>G (p.Trp234Gly)

Gene: DEAF1 (DEAF1 transcription factor; minus strand). Cytogenetic location: 11p15.5.
Variant type: single nucleotide variant.
Coding change: c.700T>G on transcript NM_021008.4 (MANE Select); coding-DNA position 700, T replaced by G.
Protein change: p.Trp234Gly; replaces tryptophan 234 with glycine.
Molecular consequence: missense variant. On other transcripts: 5 prime UTR variant (4), intron variant (1).
Genome position (GRCh38, 1-based): chr11:686,962, A>C on the plus strand (T>G on the coding strand, the complement: DEAF1 is on the minus strand). VCF-style: chr11-686962-A-C. GRCh37 (hg19) VCF-style: chr11-686962-A-C.
Other names: c.-27T>G (NM_001367390.1, NM_001440885.1, NM_001440886.1 and 1 more transcripts); c.700T>G, p.Trp234Gly (NM_001440883.1, NM_001440884.1); c.664+949T>G (NM_001293634.2); short protein forms W234G.
Identifiers: ClinVar variation 391596 (VCV000391596.45), dbSNP rs1057524157, ClinGen allele CA16606380.

ClinVar aggregate classification (germline): Pathogenic/Likely pathogenic. Review status: criteria provided, multiple submitters, no conflicts (2 of 4 stars). 2 submissions from 2 submitters: Pathogenic (1); Likely pathogenic (1). Last evaluated 2019-08-13.

Submissions (2):

GeneDx
Classification: Pathogenic. Last evaluated: 2019-08-13. Review status: criteria provided, single submitter. Criteria: GeneDx Variant Classification Process June 2021. Collection method: clinical testing. Allele origin: germline. Affected: yes.
Comment: Has not been previously published as pathogenic or benign to our knowledge; In silico analysis, which includes protein predictors and evolutionary conservation, supports a deleterious effect; Not observed in large population cohorts (Lek et al., 2016)

CeGaT Center for Human Genetics Tuebingen
Classification: Likely pathogenic. Last evaluated: 2019-03-01. Review status: criteria provided, single submitter. Criteria: CeGaT Center For Human Genetics Tuebingen Variant Classification Criteria Version 2. Collection method: clinical testing. Allele origin: germline. Affected: yes. Observed: 1 variant allele.